The following is an entry in ClinVar:

ClinVar aggregate classification (germline): Likely benign (1 of 4 stars; one submission).

Conditions:
Hereditary retinoblastoma. Identifiers: Orphanet 357027, MedGen C0751483, MONDO:0018160.

Submission:

Ramesar Group, Division of Human Genetics, Institute of Infectious Diseases and Molecular Medicine, UCT/MRC Genomic and Precision Medicine Research Unit, University of Cape Town
Classification: Likely benign for Hereditary retinoblastoma. Last evaluated: 2025-09-17. Review status: criteria provided, single submitter. Criteria: ACMG Guidelines, 2015. Collection method: research. Allele origin: germline. Affected: no.
Comment: BP5 - Variant found in a patient with a different retinal disease; RB1 is not associated with the phenotype BP7 - A non-coding variant with no predicted effect on splicing (SpliceAI scores are negligible)

NM_000321.3(RB1):c.2212-45T>A

Gene: RB1 (RB transcriptional corepressor 1; plus strand). Cytogenetic location: 13q14.2.
Variant type: single nucleotide variant.
Coding change: c.2212-45T>A on transcript NM_000321.3 (MANE Select); 45 bases into the intron before coding-DNA position 2212, T replaced by A.
Molecular consequence: intron variant.
Genome position (GRCh38, 1-based): chr13:48,464,953, T>A. VCF-style: chr13-48464953-T-A. GRCh37 (hg19) VCF-style: chr13-49039089-T-A.
Other names: c.2212-45T>A (NM_001407165.1).
Identifiers: ClinVar variation 4759374 (VCV004759374.1).